The following is an entry in ClinVar:

ClinVar aggregate classification (germline): Conflicting classifications of pathogenicity. Review status: criteria provided, conflicting classifications (1 of 4 stars). 2 submissions from 2 submitters: Pathogenic (1); Uncertain significance (1). Last evaluated 2024-03-04.

Conditions:
Seizures, benign familial infantile, 3 (BFIS3). Also called: CONVULSIONS, BENIGN FAMILIAL INFANTILE, 3; Familial neonatal seizures. Identifiers: Orphanet 140927, Orphanet 306, MedGen C1843140, MONDO:0011904, OMIM 607745.
Developmental and epileptic encephalopathy, 11 (DEE11). Also called: Early infantile epileptic encephalopathy 11. Identifiers: Orphanet 1934, MedGen C3150987, MONDO:0013388, OMIM 613721.

Submissions (2):

GeneDx
Classification: Pathogenic. Last evaluated: 2024-03-04. Review status: criteria provided, single submitter. Criteria: GeneDx Variant Classification Process June 2021. Collection method: clinical testing. Allele origin: germline. Affected: yes.
Comment: In silico analysis, which includes protein predictors and evolutionary conservation, supports a deleterious effect; This substitution is predicted to be within the transmembrane segment S5 of the second homologous domain; Not observed at significant frequency in large population cohorts (gnomAD); Has not been previously published as pathogenic or benign to our knowledge

Labcorp Genetics (formerly Invitae), Labcorp
Classification: Uncertain significance for Seizures, benign familial infantile, 3; Developmental and epileptic encephalopathy, 11. Last evaluated: 2021-11-16. Review status: criteria provided, single submitter. Criteria: Invitae Variant Classification Sherloc (09022015). Collection method: clinical testing. Allele origin: germline.
Comment: In summary, the available evidence is currently insufficient to determine the role of this variant in disease. Therefore, it has been classified as a Variant of Uncertain Significance. Algorithms developed to predict the effect of missense changes on protein structure and function are either unavailable or do not agree on the potential impact of this missense change (SIFT: "Deleterious"; PolyPhen-2: "Probably Damaging"; Align-GVGD: "Class C0"). This variant has not been reported in the literature in individuals affected with SCN2A-related conditions. This variant is not present in population databases (gnomAD no frequency). This sequence change replaces threonine, which is neutral and polar, with proline, which is neutral and non-polar, at codon 885 of the SCN2A protein (p.Thr885Pro).

NM_001040142.2(SCN2A):c.2653A>C (p.Thr885Pro)

Gene: SCN2A (sodium voltage-gated channel alpha subunit 2; plus strand). Cytogenetic location: 2q24.3.
Variant type: single nucleotide variant.
Coding change: c.2653A>C on transcript NM_001040142.2 (MANE Select); coding-DNA position 2653, A replaced by C.
Protein change: p.Thr885Pro; replaces threonine 885 with proline.
Molecular consequence: missense variant.
Genome position (GRCh38, 1-based): chr2:165,344,645, A>C. VCF-style: chr2-165344645-A-C. GRCh37 (hg19) VCF-style: chr2-166201155-A-C.
Other names: c.2653A>C, p.Thr885Pro (NM_001040143.2, NM_001371246.1, NM_001371247.1 and 1 more transcripts); c.2653A>C (NM_021007.2); short protein forms T885P.
Identifiers: ClinVar variation 1380319 (VCV001380319.7), dbSNP rs2105318789, ClinGen allele CA349014184.